The following is an entry in ClinVar:

ClinVar aggregate classification (germline): Uncertain significance (1 of 4 stars; one submission).

Conditions:
Kabuki syndrome. Also called: NIIKAWA-KUROKI SYNDROME; Kabuki make-up syndrome. Identifiers: Orphanet 2322, MedGen C0796004, MONDO:0016512.

Allele frequency attached by ClinVar (database versions not stated): gnomAD 0.00001.
gnomAD v4.1: 5 of 1,603,926 alleles (0.00031%); highest among the groups gnomAD compares: South Asian, 0.0011%; no homozygotes.

Submission:

Labcorp Genetics (formerly Invitae), Labcorp
Classification: Uncertain significance for Kabuki syndrome. Last evaluated: 2025-09-07. Review status: criteria provided, single submitter. Criteria: Invitae Variant Classification Sherloc (09022015). Collection method: clinical testing. Allele origin: germline.
Comment: This sequence change replaces threonine, which is neutral and polar, with isoleucine, which is neutral and non-polar, at codon 3138 of the KMT2D protein (p.Thr3138Ile). This variant is not present in population databases (gnomAD no frequency). This variant has not been reported in the literature in individuals affected with KMT2D-related conditions. ClinVar contains an entry for this variant (Variation ID: 1361509). Invitae Evidence Modeling of protein sequence and biophysical properties (such as structural, functional, and spatial information, amino acid conservation, physicochemical variation, residue mobility, and thermodynamic stability) indicates that this missense variant is not expected to disrupt KMT2D protein function with a negative predictive value of 95%. In summary, the available evidence is currently insufficient to determine the role of this variant in disease. Therefore, it has been classified as a Variant of Uncertain Significance.

NM_003482.4(KMT2D):c.9413C>T (p.Thr3138Ile)

Gene: KMT2D (lysine methyltransferase 2D; minus strand). Cytogenetic location: 12q13.12.
Variant type: single nucleotide variant.
Coding change: c.9413C>T on transcript NM_003482.4 (MANE Select); coding-DNA position 9413, C replaced by T.
Protein change: p.Thr3138Ile; replaces threonine 3138 with isoleucine.
Molecular consequence: missense variant.
Genome position (GRCh38, 1-based): chr12:49,037,943, G>A on the plus strand (C>T on the coding strand, the complement: KMT2D is on the minus strand). VCF-style: chr12-49037943-G-A. GRCh37 (hg19) VCF-style: chr12-49431726-G-A.
Other names: short protein forms T3138I.
Identifiers: ClinVar variation 1361509 (VCV001361509.8), dbSNP rs1943304810, ClinGen allele CA384738162.